The following is an entry in ClinVar:

NM_031885.5(BBS2):c.812C>T (p.Ala271Val)

Gene: BBS2 (Bardet-Biedl syndrome 2; minus strand). Cytogenetic location: 16q13.
Variant type: single nucleotide variant.
Coding change: c.812C>T on transcript NM_031885.5 (MANE Select); coding-DNA position 812, C replaced by T.
Protein change: p.Ala271Val; replaces alanine 271 with valine.
Molecular consequence: missense variant. On other transcripts: non-coding transcript variant (5).
Genome position (GRCh38, 1-based): chr16:56,502,801, G>A on the plus strand (C>T on the coding strand, the complement: BBS2 is on the minus strand). VCF-style: chr16-56502801-G-A. GRCh37 (hg19) VCF-style: chr16-56536713-G-A.
Other names: c.812C>T, p.Ala271Val (NM_001377456.1); short protein forms A271V.
Identifiers: ClinVar variation 2145406 (VCV002145406.4), dbSNP rs1394838342, ClinGen allele CA395981952.

ClinVar aggregate classification (germline): Uncertain significance (1 of 4 stars; one submission).

Conditions:
Bardet-Biedl syndrome (BBS). Identifiers: Orphanet 110, MedGen C0752166, MONDO:0015229.

Allele frequency attached by ClinVar (database versions not stated): TOPMed below 0.00001.
gnomAD v4.1: 1 of 1,614,110 alleles (0.000062%); highest among the groups gnomAD compares: Non-Finnish European, 0.000085%; no homozygotes.

Submission:

Labcorp Genetics (formerly Invitae), Labcorp
Classification: Uncertain significance for Bardet-Biedl syndrome. Last evaluated: 2022-01-02. Review status: criteria provided, single submitter. Criteria: Invitae Variant Classification Sherloc (09022015). Collection method: clinical testing. Allele origin: germline.
Comment: This variant is not present in population databases (gnomAD no frequency). This sequence change replaces alanine, which is neutral and non-polar, with valine, which is neutral and non-polar, at codon 271 of the BBS2 protein (p.Ala271Val). This variant has not been reported in the literature in individuals affected with BBS2-related conditions. Algorithms developed to predict the effect of missense changes on protein structure and function are either unavailable or do not agree on the potential impact of this missense change (SIFT: "Tolerated"; PolyPhen-2: "Possibly Damaging"; Align-GVGD: "Class C0"). In summary, the available evidence is currently insufficient to determine the role of this variant in disease. Therefore, it has been classified as a Variant of Uncertain Significance.